The following is an entry in ClinVar:

ClinVar aggregate classification (germline): Likely pathogenic (1 of 4 stars; one submission).

Conditions:
Hereditary cancer-predisposing syndrome. Also called: Neoplastic Syndromes, Hereditary; Tumor predisposition; Hereditary neoplastic syndrome; Hereditary Cancer Syndrome. Identifiers: Orphanet 140162, MedGen C0027672, MeSH D009386, MONDO:0015356.

Submission:

Ambry Genetics
Classification: Likely pathogenic for Hereditary cancer-predisposing syndrome. Last evaluated: 2024-04-08. Review status: criteria provided, single submitter. Criteria: Ambry Variant Classification Scheme 2023. Collection method: clinical testing. Allele origin: germline.
Comment: The c.1836delG variant, located in coding exon 14 of the SDHA gene, results from a deletion of one nucleotide at nucleotide position 1836, causing a translational frameshift with a predicted alternate stop codon (p.Q613Nfs*32). This alteration occurs at the 3' terminus of the SDHA gene, is not expected to trigger nonsense-mediated mRNA decay, and only impacts the last 8% of the protein. However, premature stop codons are typically deleterious in nature, the impacted region is critical for protein function, and a significant portion of the protein is affected (Ambry internal data). This variant is considered to be rare based on population cohorts in the Genome Aggregation Database (gnomAD). Based on the majority of available evidence to date, this variant is likely to be pathogenic.

NM_004168.4(SDHA):c.1836del (p.Gln613fs)

Gene: SDHA (succinate dehydrogenase complex flavoprotein subunit A; plus strand). Cytogenetic location: 5p15.33.
Variant type: Deletion.
Coding change: c.1836del on transcript NM_004168.4 (MANE Select); coding-DNA position 1836, one base deleted (G; older notation c.1836delG).
Protein change: p.Gln613fs; shifts the reading frame from glutamine 613.
Molecular consequence: frameshift variant.
Genome position (GRCh38, 1-based): chr5:254,434, G deleted; the last of 4 consecutive G bases (chr5:254,431-254,434); deleting any one gives the same sequence. VCF-style (leftmost placement, unchanged base first): chr5-254430-AG-A. GRCh37 (hg19) VCF-style: chr5-254545-AG-A.
Other names: c.1692del, p.Gln565fs (NM_001294332.2); c.1593del, p.Gln532fs (NM_001330758.2); short protein forms Q532fs, Q565fs, Q613fs.
Identifiers: ClinVar variation 3316830 (VCV003316830.1).
Genomic context (GRCh38, chr5:254,430, plus strand): 5'-CGTGATGGTGTTTCTGGCCTCAGGTGCGGATTGATGAGTACGATTACTCCAAGCCCATCC[AG>A]GGGCAACAGAAGAAGCCCTTTGAGGAGCACTGGAGGAAGCACACCCTGTCCTATGTGGAC-3'